The following is an entry in ClinVar:

ClinVar aggregate classification (germline): Uncertain significance (1 of 4 stars; one submission).

gnomAD v4.1: 1 of 1,614,118 alleles (0.000062%); highest among the groups gnomAD compares: Non-Finnish European, 0.000085%; no homozygotes.

Submission:

Labcorp Genetics (formerly Invitae), Labcorp
Classification: Uncertain significance. Last evaluated: 2022-08-09. Review status: criteria provided, single submitter. Criteria: Invitae Variant Classification Sherloc (09022015). Collection method: clinical testing. Allele origin: germline.
Comment: This sequence change replaces serine with threonine at codon 212 of the TULP1 protein (p.Ser212Thr). The serine residue is moderately conserved and there is a small physicochemical difference between serine and threonine. This variant is not present in population databases (gnomAD no frequency). This variant has not been reported in the literature in individuals affected with TULP1-related conditions. In summary, the available evidence is currently insufficient to determine the role of this variant in disease. Therefore, it has been classified as a Variant of Uncertain Significance. Algorithms developed to predict the effect of missense changes on protein structure and function are either unavailable or do not agree on the potential impact of this missense change (SIFT: "Not Available"; PolyPhen-2: "Benign"; Align-GVGD: "Not Available"). ClinVar contains an entry for this variant (Variation ID: 1421485).

NM_003322.6(TULP1):c.635G>C (p.Ser212Thr)

Gene: TULP1 (TUB like protein 1; minus strand). Cytogenetic location: 6p21.31.
Variant type: single nucleotide variant.
Coding change: c.635G>C on transcript NM_003322.6 (MANE Select); coding-DNA position 635, G replaced by C.
Protein change: p.Ser212Thr; replaces serine 212 with threonine.
Molecular consequence: missense variant.
Genome position (GRCh38, 1-based): chr6:35,509,717, C>G on the plus strand (G>C on the coding strand, the complement: TULP1 is on the minus strand). VCF-style: chr6-35509717-C-G. GRCh37 (hg19) VCF-style: chr6-35477494-C-G.
Other names: c.476G>C, p.Ser159Thr (NM_001289395.2); short protein forms S212T, S159T.
Identifiers: ClinVar variation 1421485 (VCV001421485.6), dbSNP rs1371203038, ClinGen allele CA363782660.
Genomic context (GRCh38, chr6:35,509,717, plus strand): 5'-TCAGGACTGCCTTCCCCAACCAGAAACATGGCTGCTGGGCTCTTCCTCGCACTGGCTGGG[C>G]TCCCTGAGGGGTCCTTGTCGGCCTCCCCAGACCCTGCATGTGTGGATGTGAAAGCGTCAC-3'
Protein context (NP_003313.3, residues 202-222): SGEADKDPSG[Ser212Thr]PASARKSPAA